The following is an entry in ClinVar:

ClinVar aggregate classification (germline): Conflicting classifications of pathogenicity. Review status: criteria provided, conflicting classifications (1 of 4 stars). 11 submissions from 10 submitters: Uncertain significance (4); Benign (1); Likely benign (3). 3 of the submissions do not count toward it. Last evaluated 2026-07-01.

Conditions:
SETX-related disorder. Also called: SETX-related disorders; SETX-related condition. Identifiers: MedGen CN239403.
Charcot-Marie-Tooth disease. Also called: Charcot-Marie-Tooth Hereditary Neuropathy; Charcot-Marie-Tooth Neuropathy. Identifiers: Orphanet 166, MedGen C0007959, MONDO:0015626.
Spinocerebellar ataxia, autosomal recessive, with axonal neuropathy 2 (SCAN2). Also called: Ataxia with Oculomotor Apraxia; Ataxia with Oculomotor Apraxia Type 2; ATAXIA-OCULOMOTOR APRAXIA 2; Ataxia-ocular apraxia-2. Identifiers: Orphanet 64753, MedGen C1853761, MONDO:0018996, OMIM 606002.
Amyotrophic lateral sclerosis type 4 (ALS4). Also called: AMYOTROPHIC LATERAL SCLEROSIS 4, JUVENILE; NEURONOPATHY, DISTAL HEREDITARY MOTOR, WITH PYRAMIDAL FEATURES. Identifiers: Orphanet 357043, MedGen C1865409, MONDO:0011223, OMIM 602433.

Allele frequency attached by ClinVar (database versions not stated): TOPMed 0.00008; gnomAD 0.00010 and 0.00029; ExAC 0.00068; 1000 Genomes Project 0.00180; 1000 Genomes Project 30x 0.00234.
gnomAD v4.1: 416 of 1,614,192 alleles (0.026%); highest among the groups gnomAD compares: South Asian, 0.32%; 4 homozygotes.

Submissions (11):

CeGaT Center for Human Genetics Tuebingen
Classification: Likely benign. Last evaluated: 2026-07-01. Review status: criteria provided, single submitter. Criteria: CeGaT Center For Human Genetics Tuebingen Variant Classification Criteria Version 2. Collection method: clinical testing. Allele origin: germline. Affected: yes. Observed: 2 variant alleles.
Comment: SETX: BS1

Labcorp Genetics (formerly Invitae), Labcorp
Classification: Benign for Amyotrophic lateral sclerosis type 4; Spinocerebellar ataxia, autosomal recessive, with axonal neuropathy 2. Last evaluated: 2025-12-03. Review status: criteria provided, single submitter. Criteria: Invitae Variant Classification Sherloc (09022015). Collection method: clinical testing. Allele origin: germline.

PreventionGenetics, part of Exact Sciences
Classification: Likely benign for SETX-related condition. Last evaluated: 2025-03-14. Review status: criteria provided, single submitter. Criteria: ACMG Guidelines, 2015. Collection method: clinical testing. Allele origin: germline.
Comment: This variant is classified as likely benign based on ACMG/AMP sequence variant interpretation guidelines (Richards et al. 2015 PMID: 25741868, with internal and published modifications).

Neuberg Centre For Genomic Medicine, NCGM
Classification: Uncertain significance for Amyotrophic lateral sclerosis type 4. Last evaluated: 2023-06-22. Review status: criteria provided, single submitter. Criteria: ACMG Guidelines, 2015. Collection method: clinical testing. Allele origin: germline. Inheritance: Autosomal dominant inheritance. Affected: yes.
Comment: The missense c.1504C>T(p.Arg502Trp) variant in SETX gene has been reported in an individual affected with SETX related neuropathy/ motor hereditary motor (Drew AP, et. al., 2015). The p.Arg502Trp variant is present with allele frequency of 0.05% in gnomAD Exomes. This variant has been submitted to the ClinVar database as Benign/ Uncertain Significance. Multiple lines of computational evidence (Polyphen - Probably Damaging, SIFT - Damaging and MutationTaster -Disease causing) predict damaging effect on protein structure and function for this variant. The reference amino acid at this position in SETX is predicted as conserved by GERP++ and PhyloP across 100 vertebrates. The amino acid Arg at position 502 is changed to a Trp changing protein sequence and it might alter its composition and physico-chemical properties. For these reasons, this variant has been classified as Variant of Uncertain Significance (VUS).

Mayo Clinic Laboratories, Mayo Clinic
Classification: Uncertain significance. Last evaluated: 2020-04-17. Review status: criteria provided, single submitter. Criteria: ACMG Guidelines, 2015. Collection method: clinical testing. Allele origin: germline. Observed: 1 variant allele.

Genomic Research Center, Shahid Beheshti University of Medical Sciences
Classification: Uncertain significance for Amyotrophic lateral sclerosis type 4. Last evaluated: 2019-04-27. Review status: criteria provided, single submitter. Criteria: ACMG Guidelines, 2015. Collection method: clinical testing. Allele origin: unknown. Affected: yes.

Genomic Research Center, Shahid Beheshti University of Medical Sciences
Classification: Uncertain significance for Spinocerebellar ataxia autosomal recessive 1. Last evaluated: 2019-04-27. Review status: criteria provided, single submitter. Criteria: ACMG Guidelines, 2015. Collection method: clinical testing. Allele origin: unknown. Affected: yes.

GeneDx
Classification: Likely benign. Last evaluated: 2019-04-26. Review status: criteria provided, single submitter. Criteria: GeneDx Variant Classification Process June 2021. Collection method: clinical testing. Allele origin: germline. Affected: yes.
Comment: See Variant Classification Assertion Criteria.

Department of Pathology and Laboratory Medicine, Sinai Health System
Classification: Uncertain significance. Review status: no assertion criteria provided. Collection method: clinical testing. Allele origin: unknown. Affected: yes. Study: The Canadian Open Genetics Repository (COGR). Not counted in ClinVar's aggregate classification.
Comment: The SETX p.Arg502Trp variant was identified in 2 of 310 proband chromosomes (frequency: 0.0065) from individuals with inherited peripheral neuropathies or amyotrophic lateral sclerosis (Drew_2015_PMID:25802885; Liu_2019_PMID:31788332). The variant was identified in dbSNP (ID: rs534723946) and ClinVar (classified as uncertain significance by the Inherited Neuropathy Consortium and Genomic Research Center, Shahid Beheshti University of Medical Sciences, and as probable-pathogenic by the Northcott Neuroscience Laboratory, ANZAC Research Institute). The variant was identified in control databases in 138 of 282726 chromosomes at a frequency of 0.0004881 increasing the likelihood this could be a low frequency benign variant (Genome Aggregation Database March 6, 2019, v2.1.1). The variant was observed in the following populations: South Asian in 108 of 30616 chromosomes (freq: 0.003528), Other in 5 of 7218 chromosomes (freq: 0.000693), East Asian in 12 of 19954 chromosomes (freq: 0.000601), African in 2 of 24966 chromosomes (freq: 0.00008), European (non-Finnish) in 9 of 129050 chromosomes (freq: 0.00007) and Latino in 2 of 35438 chromosomes (freq: 0.000056), but was not observed in the Ashkenazi Jewish, or European (Finnish) populations. The p.Arg502 residue is conserved across mammals and other organisms, and four out of five computational analyses (PolyPhen-2, SIFT, AlignGVGD, BLOSUM, MutationTaster) suggest that the variant may impact the protein; however, this information is not predictive enough to assume pathogenicity. The variant occurs outside of the splicing consensus sequence and in silico or computational prediction software programs (SpliceSiteFinder, MaxEntScan, NNSPLICE, GeneSplicer) do not predict a difference in splicing. In summary, based on the above information the clinical significance of this variant cannot be determined with certainty at this time. This variant is classified as a variant of uncertain significance.

Inherited Neuropathy Consortium
Classification: Uncertain significance for Charcot-Marie-Tooth disease. Review status: no assertion criteria provided. Collection method: literature only. Allele origin: germline. Affected: yes. Not counted in ClinVar's aggregate classification.

Northcott Neuroscience Laboratory, ANZAC Research Institute
Classification: Likely pathogenic. Review status: no assertion criteria provided. Collection method: not provided. Allele origin: germline. Not counted in ClinVar's aggregate classification.
Comment: Family S
ClinVar note: Converted during submission from probable-pathogenic to Likely pathogenic.

Literature cited by the submitters: PubMed 25802885 (cited by Inherited Neuropathy Consortium).

NM_015046.7(SETX):c.1504C>T (p.Arg502Trp)

Gene: SETX (senataxin; minus strand). Cytogenetic location: 9q34.13.
Variant type: single nucleotide variant.
Coding change: c.1504C>T on transcript NM_015046.7 (MANE Select); coding-DNA position 1504, C replaced by T.
Protein change: p.Arg502Trp; replaces arginine 502 with tryptophan.
Molecular consequence: missense variant.
Genome position (GRCh38, 1-based): chr9:132,330,094, G>A on the plus strand (C>T on the coding strand, the complement: SETX is on the minus strand). VCF-style: chr9-132330094-G-A. GRCh37 (hg19) VCF-style: chr9-135205481-G-A.
Other names: c.1504C>T, p.Arg502Trp (NM_001351527.2, NM_001351528.2); short protein forms R502W.
Identifiers: ClinVar variation 155742 (VCV000155742.31), dbSNP rs534723946, ClinGen allele CA233090.